The following is an entry in ClinVar:

ClinVar aggregate classification (germline): Benign. Review status: criteria provided, multiple submitters, no conflicts (2 of 4 stars). 2 submissions from 2 submitters: Benign (2). Last evaluated 2018-01-13.

Conditions:
Achromatopsia 6. Also called: RETINAL CONE DYSTROPHY 3A; CONE DYSTROPHY WITH NIGHT BLINDNESS AND SUPERNORMAL ROD RESPONSES, PDE6H-RELATED. Identifiers: Orphanet 49382, MedGen C1864900, MONDO:0012398, OMIM 610024.

Allele frequency attached by ClinVar (database versions not stated): gnomAD 0.10957; TOPMed 0.11181; 1000 Genomes Project 0.14896; 1000 Genomes Project 30x 0.15053.

Submissions (2):

Illumina Laboratory Services, Illumina
Classification: Benign for Achromatopsia 6. Last evaluated: 2018-01-13. Review status: criteria provided, single submitter. Criteria: ICSL Variant Classification Criteria 13 December 2019. Collection method: clinical testing. Allele origin: germline.
Comment: This variant was observed in the ICSL laboratory as part of a predisposition screen in an ostensibly healthy population. It had not been previously curated by ICSL or reported in the Human Gene Mutation Database (HGMD: prior to June 1st, 2018), and was therefore a candidate for classification through an automated scoring system. Utilizing variant allele frequency, disease prevalence and penetrance estimates, and inheritance mode, an automated score was calculated to assess if this variant is too frequent to cause the disease. Based on the score and internal cut-off values, a variant classified as benign is not then subjected to further curation. The score for this variant resulted in a classification of benign for this disease.

Breakthrough Genomics
Classification: Benign. Review status: criteria provided, single submitter. Criteria: ACMG Guidelines, 2015. Collection method: not provided. Allele origin: germline. Inheritance: Autosomal dominant inheritance. Affected: yes.

NM_006205.3(PDE6H):c.-59G>C

Gene: PDE6H (phosphodiesterase 6H; plus strand). Cytogenetic location: 12p12.3.
Variant type: single nucleotide variant.
Coding change: c.-59G>C on transcript NM_006205.3 (MANE Select); 59 bases upstream of the start codon, G replaced by C.
Molecular consequence: 5 prime UTR variant.
Genome position (GRCh38, 1-based): chr12:14,973,069, G>C. VCF-style: chr12-14973069-G-C. GRCh37 (hg19) VCF-style: chr12-15126003-G-C.
Identifiers: ClinVar variation 307780 (VCV000307780.6), dbSNP rs11056264, ClinGen allele CA10632291.